The following is an entry in ClinVar:

ClinVar aggregate classification (germline): Uncertain significance (1 of 4 stars; one submission).

Submission:

GeneDx
Classification: Uncertain significance. Last evaluated: 2022-04-07. Review status: criteria provided, single submitter. Criteria: GeneDx Variant Classification Process June 2021. Collection method: clinical testing. Allele origin: germline. Affected: yes.
Comment: Not observed at significant frequency in large population cohorts (gnomAD); In silico analysis supports that this missense variant has a deleterious effect on protein structure/function; Has not been previously published as pathogenic or benign to our knowledge

NM_170606.3(KMT2C):c.9244C>A (p.Pro3082Thr)

Gene: KMT2C (lysine methyltransferase 2C; minus strand). Cytogenetic location: 7q36.1.
Variant type: single nucleotide variant.
Coding change: c.9244C>A on transcript NM_170606.3 (MANE Select); coding-DNA position 9244, C replaced by A.
Protein change: p.Pro3082Thr; replaces proline 3082 with threonine.
Molecular consequence: missense variant.
Genome position (GRCh38, 1-based): chr7:152,176,209, G>T on the plus strand (C>A on the coding strand, the complement: KMT2C is on the minus strand). VCF-style: chr7-152176209-G-T. GRCh37 (hg19) VCF-style: chr7-151873294-G-T.
Other names: short protein forms P3082T.
Identifiers: ClinVar variation 1708766 (VCV001708766.2), dbSNP rs2129112607, ClinGen allele CA370075866.
Genomic context (GRCh38, chr7:152,176,209, plus strand): 5'-ATACCCATAGTAATATACGTTGAGACTCAAGAAAACTCCTACCAATATTAGGGAAGAACG[G>T]TTCTGATCGCTGACGAATCATGGCTTGCATCTGTCTTTGCTGCTGCTGTTCTTGCCTTTC-3'
Protein context (NP_733751.2, residues 3072-3092): MQAMIRQRSE[Pro3082Thr]FFPNIDFDAI